The following is an entry in ClinVar:

ClinVar aggregate classification (germline): Benign. Review status: criteria provided, multiple submitters, no conflicts (2 of 4 stars). 2 submissions from 2 submitters: Benign (2). Last evaluated 2018-06-16.

Allele frequency attached by ClinVar (database versions not stated): ESP Exome Variant Server 0.02660; gnomAD exomes 0.03714 and 0.07548; gnomAD 0.04523 and 0.05012; TOPMed 0.05148; ExAC 0.07019; 1000 Genomes Project 30x 0.09619; 1000 Genomes Project 0.09625.
gnomAD v4.1: 62,024 of 1,611,832 alleles (3.8%); highest among the groups gnomAD compares: Admixed American, 17%; 2,823 homozygotes.

Submissions (2):

GeneDx
Classification: Benign. Last evaluated: 2018-06-16. Review status: criteria provided, single submitter. Criteria: GeneDx Variant Classification (06012015). Collection method: clinical testing. Allele origin: germline. Affected: yes.
Comment: This variant is considered likely benign or benign based on one or more of the following criteria: it is a conservative change, it occurs at a poorly conserved position in the protein, it is predicted to be benign by multiple in silico algorithms, and/or has population frequency not consistent with disease.

Breakthrough Genomics
Classification: Benign. Review status: criteria provided, single submitter. Criteria: ACMG Guidelines, 2015. Collection method: not provided. Allele origin: germline. Inheritance: Autosomal recessive inheritance. Affected: yes.

NM_139343.3(BIN1):c.1573-29G>C

Gene: BIN1 (bridging integrator 1; minus strand). Cytogenetic location: 2q14.3.
Variant type: single nucleotide variant.
Coding change: c.1573-29G>C on transcript NM_139343.3 (MANE Select); 29 bases into the intron before coding-DNA position 1573, G replaced by C.
Molecular consequence: intron variant.
Genome position (GRCh38, 1-based): chr2:127,050,551, C>G on the plus strand (G>C on the coding strand, the complement: BIN1 is on the minus strand). VCF-style: chr2-127050551-C-G. GRCh37 (hg19) VCF-style: chr2-127808127-C-G.
Other names: c.1492-29G>C (NM_001320642.1); c.949-29G>C (NM_001320634.1); c.1021-29G>C (NM_139351.3); c.1111-29G>C (NM_139350.3); c.1219-29G>C (NM_139349.3); c.1240-29G>C (NM_139348.3); c.1348-29G>C (NM_139347.3); c.1480-29G>C (NM_001320641.2); and 7 more.
Identifiers: ClinVar variation 671710 (VCV000671710.2), dbSNP rs12466914, ClinGen allele CA1856984.